The following is an entry in ClinVar:

ClinVar aggregate classification (germline): Uncertain significance (1 of 4 stars; one submission).

Submission:

Labcorp Genetics (formerly Invitae), Labcorp
Classification: Uncertain significance. Last evaluated: 2025-03-12. Review status: criteria provided, single submitter. Criteria: Invitae Variant Classification Sherloc (09022015). Collection method: clinical testing. Allele origin: germline.
Comment: This sequence change replaces glycine, which is neutral and non-polar, with alanine, which is neutral and non-polar, at codon 756 of the TNNI3K protein (p.Gly756Ala). This variant is not present in population databases (gnomAD no frequency). This variant has not been reported in the literature in individuals affected with TNNI3K-related conditions. An algorithm developed to predict the effect of missense changes on protein structure and function (PolyPhen-2) suggests that this variant is likely to be tolerated. In summary, the available evidence is currently insufficient to determine the role of this variant in disease. Therefore, it has been classified as a Variant of Uncertain Significance.

NM_015978.3(TNNI3K):c.2267G>C (p.Gly756Ala)

Genes: FPGT-TNNI3K (FPGT-TNNI3K readthrough; plus strand), LRRC53 (leucine rich repeat containing 53; minus strand), TNNI3K (TNNI3 interacting kinase; plus strand). Cytogenetic location: 1p31.1.
Variant type: single nucleotide variant.
Coding change: c.2267G>C on transcript NM_015978.3 (MANE Select); coding-DNA position 2267, G replaced by C.
Protein change: p.Gly756Ala; replaces glycine 756 with alanine.
Molecular consequence: missense variant. On other transcripts: intron variant (2).
Genome position (GRCh38, 1-based): chr1:74,492,182, G>C. VCF-style: chr1-74492182-G-C. GRCh37 (hg19) VCF-style: chr1-74957866-G-C.
Other names: c.2570G>C, p.Gly857Ala (NM_001112808.3); c.-8-11214C>G (NM_001364666.2); c.-26-8807C>G (NM_001382280.1); short protein forms G756A, G857A.
Identifiers: ClinVar variation 4745307 (VCV004745307.1).
Genomic context (GRCh38, chr1:74,492,182, plus strand): 5'-GCAGTGGGTCTCTCTCACCTTCTTCTTCTTCTGATTGCCTGGTGAACCGGGGAGGACCTG[G>C]CCGGAGTCATGTGGCAGCATTAAGAAGTCGTTTCGAATTGGAATATGCTCTAAATGCAAG-3'
Protein context (NP_057062.1, residues 746-766): SDCLVNRGGP[Gly756Ala]RSHVAALRSR